The following is an entry in ClinVar:

NM_001394372.1(BICRA):c.4510G>A (p.Ala1504Thr)

Gene: BICRA (BRD4 interacting chromatin remodeling complex associated protein; plus strand). Cytogenetic location: 19q13.33.
Variant type: single nucleotide variant.
Coding change: c.4510G>A on transcript NM_001394372.1 (MANE Select); coding-DNA position 4510, G replaced by A.
Protein change: p.Ala1504Thr; replaces alanine 1504 with threonine.
Molecular consequence: missense variant.
Genome position (GRCh38, 1-based): chr19:47,702,242, G>A. VCF-style: chr19-47702242-G-A. GRCh37 (hg19) VCF-style: chr19-48205499-G-A.
Other names: c.4510G>A, p.Ala1504Thr (NM_015711.3); short protein forms A1504T.
Identifiers: ClinVar variation 2497945 (VCV002497945.2), dbSNP rs1973471686, ClinGen allele CA406617036.

ClinVar aggregate classification (germline): Uncertain significance (1 of 4 stars; one submission).

Submission:

GeneDx
Classification: Uncertain significance. Last evaluated: 2023-07-03. Review status: criteria provided, single submitter. Criteria: GeneDx Variant Classification Process June 2021. Collection method: clinical testing. Allele origin: germline.
Comment: Not observed at significant frequency in large population cohorts (gnomAD); In silico analysis supports that this missense variant does not alter protein structure/function; Has not been previously published as pathogenic or benign to our knowledge